The following is an entry in ClinVar:

NM_000217.3(KCNA1):c.-428C>T

Gene: KCNA1 (potassium voltage-gated channel subfamily A member 1; plus strand). Cytogenetic location: 12p13.32.
Variant type: single nucleotide variant.
Coding change: c.-428C>T on transcript NM_000217.3 (MANE Select); 428 bases upstream of the start codon, C replaced by T.
Molecular consequence: 5 prime UTR variant.
Genome position (GRCh38, 1-based): chr12:4,910,951, C>T. VCF-style: chr12-4910951-C-T. GRCh37 (hg19) VCF-style: chr12-5020117-C-T.
Identifiers: ClinVar variation 309135 (VCV000309135.6), dbSNP rs7307690, ClinGen allele CA10642480.

ClinVar aggregate classification (germline): Benign (1 of 4 stars; one submission).

Conditions:
Episodic ataxia type 1 (EA1). Also called: ATAXIA, EPISODIC, WITH MYOKYMIA; MYOKYMIA WITH PERIODIC ATAXIA; PAROXYSMAL ATAXIA WITH NEUROMYOTONIA, HEREDITARY; Episodic ataxia/myokymia syndrome. Identifiers: Orphanet 37612, Orphanet 972, MedGen C1719788, MONDO:0008047, OMIM 160120.

Allele frequency attached by ClinVar (database versions not stated): gnomAD exomes 0.00039; gnomAD 0.00287 and 0.00307; 1000 Genomes Project 30x 0.00328; TOPMed 0.00348; 1000 Genomes Project 0.00379.

Submission:

Illumina Laboratory Services, Illumina
Classification: Benign for Episodic ataxia type 1. Last evaluated: 2018-01-13. Review status: criteria provided, single submitter. Criteria: ICSL Variant Classification Criteria 13 December 2019. Collection method: clinical testing. Allele origin: germline.
Comment: This variant was observed in the ICSL laboratory as part of a predisposition screen in an ostensibly healthy population. It had not been previously curated by ICSL or reported in the Human Gene Mutation Database (HGMD: prior to June 1st, 2018), and was therefore a candidate for classification through an automated scoring system. Utilizing variant allele frequency, disease prevalence and penetrance estimates, and inheritance mode, an automated score was calculated to assess if this variant is too frequent to cause the disease. Based on the score and internal cut-off values, a variant classified as benign is not then subjected to further curation. The score for this variant resulted in a classification of benign for this disease.